The following is an entry in ClinVar:

NM_007194.4(CHEK2):c.1388T>A (p.Val463Asp)

Gene: CHEK2 (checkpoint kinase 2; minus strand). Cytogenetic location: 22q12.1.
Variant type: single nucleotide variant.
Coding change: c.1388T>A on transcript NM_007194.4 (MANE Select); coding-DNA position 1388, T replaced by A.
Protein change: p.Val463Asp; replaces valine 463 with aspartic acid.
Molecular consequence: missense variant.
Genome position (GRCh38, 1-based): chr22:28,694,105, A>T on the plus strand (T>A on the coding strand, the complement: CHEK2 is on the minus strand). VCF-style: chr22-28694105-A-T. GRCh37 (hg19) VCF-style: chr22-29090093-A-T.
Other names: c.1517T>A, p.Val506Asp (NM_001005735.3); c.725T>A, p.Val242Asp (NM_001257387.3); c.1187T>A, p.Val396Asp (NM_001349956.3); c.1301T>A, p.Val434Asp (NM_145862.3); short protein forms V242D, V463D, V396D, V506D, V434D.
Identifiers: ClinVar variation 2883518 (VCV002883518.3), dbSNP rs2145786336, ClinGen allele CA411094502.
Genomic context (GRCh38, chr22:28,694,105, plus strand): 5'-TGTCTTAAGGCTTCTTCTGTCGTAAAACGTGCCTTTGGATCCACTACCAACAACTTCTTG[A>T]CAAGGTCCAGAGCTAAAGCAACAATTGGGCAAATCACAGTGAAAAGGATAAATATATTAT-3'
Protein context (NP_009125.1, residues 453-473): AEVSEKALDL[Val463Asp]KKLLVVDPKA

ClinVar aggregate classification (germline): Uncertain significance (1 of 4 stars; one submission).

Conditions:
Familial cancer of breast. Also called: BREAST CANCER, FAMILIAL; hereditary breast carcinoma; Hereditary breast cancer. Identifiers: Orphanet 227535, MedGen C0346153, MONDO:0016419, OMIM 114480. Disease mechanism: loss of function.

Submission:

Labcorp Genetics (formerly Invitae), Labcorp
Classification: Uncertain significance for Familial cancer of breast. Last evaluated: 2023-07-19. Review status: criteria provided, single submitter. Criteria: Invitae Variant Classification Sherloc (09022015). Collection method: clinical testing. Allele origin: germline.
Comment: In summary, the available evidence is currently insufficient to determine the role of this variant in disease. Therefore, it has been classified as a Variant of Uncertain Significance. An algorithm developed to predict the effect of missense changes on protein structure and function (PolyPhen-2) suggests that this variant is likely to be disruptive. This variant has not been reported in the literature in individuals affected with CHEK2-related conditions. This variant is not present in population databases (gnomAD no frequency). This sequence change replaces valine, which is neutral and non-polar, with aspartic acid, which is acidic and polar, at codon 463 of the CHEK2 protein (p.Val463Asp).